The following is an entry in ClinVar:

NM_004341.5(CAD):c.5737dup (p.Gln1913fs)

Gene: CAD (carbamoyl-phosphate synthetase 2, aspartate transcarbamylase, and dihydroorotase; plus strand). Cytogenetic location: 2p23.3.
Variant type: Duplication.
Coding change: c.5737dup on transcript NM_004341.5 (MANE Select); coding-DNA position 5737, one base duplicated (C; older notation c.5737dupC).
Protein change: p.Gln1913fs; shifts the reading frame from glutamine 1913.
Molecular consequence: frameshift variant.
Genome position (GRCh38, 1-based): chr2:27,241,156, C duplicated; the last of 5 consecutive C bases (chr2:27,241,152-27,241,156); duplicating any one gives the same sequence. VCF-style (leftmost placement, unchanged base first): chr2-27241151-A-AC. GRCh37 (hg19) VCF-style: chr2-27464019-A-AC.
Other names: c.5548dup, p.Gln1850fs (NM_001306079.2); c.5737dup (NM_004341.3); short protein forms Q1913fs, Q1850fs.
Identifiers: ClinVar variation 1398412 (VCV001398412.9), dbSNP rs1159635090, ClinGen allele CA531763738.
Genomic context (GRCh38, chr2:27,241,151, plus strand): 5'-CTCCACCACCAGTACCGAGACAGGCATCTCCCCAGAACCTGGGGACCCCTGGCTTGCTGC[A>AC]CCCCCAGACCTCACCCCTGCTGCACTCATTAGTGGGCCAACATATCCTGTCCGTCCAGCA-3'

ClinVar aggregate classification (germline): Pathogenic/Likely pathogenic. Review status: criteria provided, multiple submitters, no conflicts (2 of 4 stars). 3 submissions from 3 submitters: Pathogenic (1); Likely pathogenic (2). Last evaluated 2026-05-26.

Conditions:
Developmental and epileptic encephalopathy, 50 (DEE50). Also called: Epileptic encephalopathy, early infantile, 50. Identifiers: Orphanet 448010, MedGen C4225320, MONDO:0014647, OMIM 616457.

Submissions (3):

GeneDx
Classification: Likely pathogenic. Last evaluated: 2026-05-26. Review status: criteria provided, single submitter. Criteria: GeneDx Variant Classification Process June 2021. Collection method: clinical testing. Allele origin: germline.
Comment: Frameshift variant predicted to result in protein truncation or nonsense mediated decay in a gene for which loss of function is a known mechanism of disease; Not observed at significant frequency in large population cohorts (gnomAD); Has not been previously published as pathogenic or benign to our knowledge

Labcorp Genetics (formerly Invitae), Labcorp
Classification: Pathogenic. Last evaluated: 2024-03-13. Review status: criteria provided, single submitter. Criteria: Invitae Variant Classification Sherloc (09022015). Collection method: clinical testing. Allele origin: germline.
Comment: This sequence change creates a premature translational stop signal (p.Gln1913Profs*59) in the CAD gene. It is expected to result in an absent or disrupted protein product. Loss-of-function variants in CAD are known to be pathogenic (PMID: 28007989, 32117025, 32820246, 33497533). This variant is present in population databases (no rsID available, gnomAD 0.01%). This variant has not been reported in the literature in individuals affected with CAD-related conditions. ClinVar contains an entry for this variant (Variation ID: 1398412). For these reasons, this variant has been classified as Pathogenic.

Fulgent Genetics
Classification: Likely pathogenic for Developmental and epileptic encephalopathy, 50. Last evaluated: 2024-02-25. Review status: criteria provided, single submitter. Criteria: ACMG Guidelines, 2015. Collection method: clinical testing. Allele origin: germline.

Literature cited by the submitters: PubMed 28007989 (cited by Labcorp Genetics (formerly Invitae), Labcorp); PubMed 32117025 (cited by Labcorp Genetics (formerly Invitae), Labcorp); PubMed 32820246 (cited by Labcorp Genetics (formerly Invitae), Labcorp); PubMed 33497533 (cited by Labcorp Genetics (formerly Invitae), Labcorp).